The following is an entry in ClinVar:

NM_001611.5(ACP5):c.775G>A (p.Gly259Arg)

Gene: ACP5 (acid phosphatase 5, tartrate resistant; minus strand). Cytogenetic location: 19p13.2.
Variant type: single nucleotide variant.
Coding change: c.775G>A on transcript NM_001611.5 (MANE Select); coding-DNA position 775, G replaced by A.
Protein change: p.Gly259Arg; replaces glycine 259 with arginine.
Molecular consequence: missense variant.
Genome position (GRCh38, 1-based): chr19:11,575,213, C>T on the plus strand (G>A on the coding strand, the complement: ACP5 is on the minus strand). VCF-style: chr19-11575213-C-T. GRCh37 (hg19) VCF-style: chr19-11686028-C-T.
Other names: c.775G>A, p.Gly259Arg (NM_001111034.3, NM_001111035.3, NM_001111036.3 and 1 more transcripts); short protein forms G259R.
Identifiers: ClinVar variation 1386974 (VCV001386974.7), dbSNP rs2145082240, ClinGen allele CA404145837.
Genomic context (GRCh38, chr19:11,575,213, plus strand): 5'-GATAGCCGTTGGGGACCTTGCGCTGGTGCCGCTTTGAGGGGTCCATGAAATTCCCAGCCC[C>T]ACTCAGCACGTAGCCCACGCCATTCTCATCTTGCAGGTACTGAGGATGGAGGACAAGGGG-3'
Protein context (NP_001602.1, residues 249-269): DENGVGYVLS[Gly259Arg]AGNFMDPSKR

ClinVar aggregate classification (germline): Uncertain significance. Review status: criteria provided, multiple submitters, no conflicts (2 of 4 stars). 2 submissions from 2 submitters: Uncertain significance (2). Last evaluated 2024-11-28.

Conditions:
Spondyloenchondrodysplasia with immune dysregulation (SPENCDI). Also called: SPONDYLOENCHONDRODYSPLASIA WITH OR WITHOUT IMMUNE DYSREGULATION; COMBINED IMMUNODEFICIENCY WITH AUTOIMMUNITY AND SPONDYLOMETAPHYSEAL DYSPLASIA; ROIFMAN IMMUNOSKELETAL SYNDROME. Identifiers: Orphanet 1855, MedGen C1842763, MONDO:0011939, OMIM 607944.

Submissions (2):

3billion
Classification: Uncertain significance for Spondyloenchondrodysplasia with immune dysregulation. Last evaluated: 2024-11-28. Review status: criteria provided, single submitter. Criteria: ACMG Guidelines, 2015. Collection method: clinical testing. Allele origin: germline. Affected: yes.
Comment: The variant is not observed in the gnomAD v4.1.0 dataset. Predicted Consequence/Location: Missense variant In silico tool predictions suggest damaging effect of the variant on gene or gene product [REVEL: 0.87 (>=0.6, sensitivity 0.68 and specificity 0.92); 3Cnet: 0.97 (>=0.6, sensitivity 0.72 and precision 0.9)]. The variant has been reported as of uncertain significance (ClinVar ID: VCV001386974; PMID: 37010587; 3billion dataset). Therefore, this variant is classified as VUS according to the recommendation of ACMG/AMP guideline.

Labcorp Genetics (formerly Invitae), Labcorp
Classification: Uncertain significance for Spondyloenchondrodysplasia with immune dysregulation. Last evaluated: 2021-10-14. Review status: criteria provided, single submitter. Criteria: Invitae Variant Classification Sherloc (09022015). Collection method: clinical testing. Allele origin: germline.
Comment: In summary, the available evidence is currently insufficient to determine the role of this variant in disease. Therefore, it has been classified as a Variant of Uncertain Significance. Algorithms developed to predict the effect of missense changes on protein structure and function are either unavailable or do not agree on the potential impact of this missense change (SIFT: "Not Available"; PolyPhen-2: "Probably Damaging"; Align-GVGD: "Not Available"). This sequence change replaces glycine with arginine at codon 259 of the ACP5 protein (p.Gly259Arg). The glycine residue is highly conserved and there is a moderate physicochemical difference between glycine and arginine. This variant is not present in population databases (ExAC no frequency). This variant has not been reported in the literature in individuals affected with ACP5-related conditions.